The following is an entry in ClinVar:

ClinVar aggregate classification (germline): Conflicting classifications of pathogenicity. Review status: criteria provided, conflicting classifications (1 of 4 stars). 2 submissions from 2 submitters: Uncertain significance (1); Likely benign (1). Last evaluated 2024-12-08.

Conditions:
Melanoma, cutaneous malignant, susceptibility to, 5. Also called: Cutaneous malignant melanoma 5. Identifiers: Orphanet 618, MedGen C2751295, MONDO:0013133, OMIM 613099.

Allele frequency attached by ClinVar (database versions not stated): ExAC 0.00001; gnomAD exomes 0.00001; gnomAD 0.00002; TOPMed 0.00002.

Submissions (2):

Ambry Genetics
Classification: Likely benign. Last evaluated: 2024-12-08. Review status: criteria provided, single submitter. Criteria: Ambry Variant Classification Scheme 2023. Collection method: clinical testing. Allele origin: germline.

Labcorp Genetics (formerly Invitae), Labcorp
Classification: Uncertain significance for Melanoma, cutaneous malignant, susceptibility to, 5. Last evaluated: 2022-07-09. Review status: criteria provided, single submitter. Criteria: Invitae Variant Classification Sherloc (09022015). Collection method: clinical testing. Allele origin: germline.
Comment: This sequence change replaces valine, which is neutral and non-polar, with alanine, which is neutral and non-polar, at codon 201 of the MC1R protein (p.Val201Ala). This variant is present in population databases (rs754971328, gnomAD 0.002%). This variant has not been reported in the literature in individuals affected with MC1R-related conditions. Algorithms developed to predict the effect of missense changes on protein structure and function (SIFT, PolyPhen-2, Align-GVGD) all suggest that this variant is likely to be tolerated. In summary, the available evidence is currently insufficient to determine the role of this variant in disease. Therefore, it has been classified as a Variant of Uncertain Significance.

NM_002386.4(MC1R):c.602T>C (p.Val201Ala)

Gene: MC1R (melanocortin 1 receptor; plus strand). Cytogenetic location: 16q24.3.
Variant type: single nucleotide variant.
Coding change: c.602T>C on transcript NM_002386.4 (MANE Select); coding-DNA position 602, T replaced by C.
Protein change: p.Val201Ala; replaces valine 201 with alanine.
Molecular consequence: missense variant.
Genome position (GRCh38, 1-based): chr16:89,919,860, T>C. VCF-style: chr16-89919860-T-C. GRCh37 (hg19) VCF-style: chr16-89986268-T-C.
Other names: c.602T>C (NM_002386.3); short protein forms V201A.
Identifiers: ClinVar variation 2079206 (VCV002079206.5), dbSNP rs754971328, ClinGen allele CA8255674.